The following is an entry in ClinVar:

ClinVar aggregate classification (germline): Uncertain significance. Review status: criteria provided, multiple submitters, no conflicts (2 of 4 stars). 2 submissions from 2 submitters: Uncertain significance (2). Last evaluated 2025-03-22.

Conditions:
Inborn genetic diseases. Identifiers: MedGen C0950123, MeSH D030342.

Submissions (2):

Ambry Genetics
Classification: Uncertain significance for Inborn genetic diseases. Last evaluated: 2025-03-22. Review status: criteria provided, single submitter. Criteria: Ambry Variant Classification Scheme 2023. Collection method: clinical testing. Allele origin: germline.

Mayo Clinic Laboratories, Mayo Clinic
Classification: Uncertain significance. Last evaluated: 2022-03-21. Review status: criteria provided, single submitter. Criteria: ACMG Guidelines, 2015. Collection method: clinical testing. Allele origin: germline. Observed: 1 variant allele.
Comment: PM2

NM_004370.6(COL12A1):c.2972C>A (p.Ala991Asp)

Gene: COL12A1 (collagen type XII alpha 1 chain; minus strand). Cytogenetic location: 6q13.
Variant type: single nucleotide variant.
Coding change: c.2972C>A on transcript NM_004370.6 (MANE Select); coding-DNA position 2972, C replaced by A.
Protein change: p.Ala991Asp; replaces alanine 991 with aspartic acid.
Molecular consequence: missense variant. On other transcripts: intron variant (2).
Genome position (GRCh38, 1-based): chr6:75,165,518, G>T on the plus strand (C>A on the coding strand, the complement: COL12A1 is on the minus strand). VCF-style: chr6-75165518-G-T. GRCh37 (hg19) VCF-style: chr6-75875234-G-T.
Other names: p.Ala991Asp; c.2972C>A, p.Ala991Asp (NM_001424113.1, NM_001424114.1); c.2699C>A, p.Ala900Asp (NM_001424115.1); c.74-13036C>A (NM_001424116.1, NM_080645.3); short protein forms A900D, A991D.
Identifiers: ClinVar variation 2682938 (VCV002682938.2), dbSNP rs1185528789, ClinGen allele CA364757271.